The following is an entry in ClinVar:

NM_000020.3(ACVRL1):c.997A>T (p.Ser333Cys)

Gene: ACVRL1 (activin A receptor like type 1; plus strand). Cytogenetic location: 12q13.13.
Variant type: single nucleotide variant.
Coding change: c.997A>T on transcript NM_000020.3 (MANE Select); coding-DNA position 997, A replaced by T.
Protein change: p.Ser333Cys; replaces serine 333 with cysteine.
Molecular consequence: missense variant.
Genome position (GRCh38, 1-based): chr12:51,915,449, A>T. VCF-style: chr12-51915449-A-T. GRCh37 (hg19) VCF-style: chr12-52309233-A-T.
Other names: c.997A>T, p.Ser333Cys (NM_001077401.2); short protein forms S333C.
Identifiers: ClinVar variation 1345165 (VCV001345165.8), dbSNP rs2139073944, ClinGen allele CA384901512.

ClinVar aggregate classification (germline): Likely pathogenic (1 of 4 stars; one submission).

Conditions:
Telangiectasia, hereditary hemorrhagic, type 2 (HHT2). Also called: Telangiectasia, hereditary hemorrhagic, type II; ACVRL1-Related Hereditary Hemorrhagic Telangiectasia. Identifiers: Orphanet 774, MedGen C1838163, MONDO:0010880, OMIM 600376. Disease mechanism: loss of function.

Submission:

Labcorp Genetics (formerly Invitae), Labcorp
Classification: Likely pathogenic for Telangiectasia, hereditary hemorrhagic, type 2. Last evaluated: 2022-11-29. Review status: criteria provided, single submitter. Criteria: Invitae Variant Classification Sherloc (09022015). Collection method: clinical testing. Allele origin: germline.
Comment: This missense change has been observed in individual(s) with clinical features of hereditary hemorrhagic telangiectasia (HHT) (Invitae). This sequence change replaces serine, which is neutral and polar, with cysteine, which is neutral and slightly polar, at codon 333 of the ACVRL1 protein (p.Ser333Cys). This variant is not present in population databases (gnomAD no frequency). ClinVar contains an entry for this variant (Variation ID: 1345165). Advanced modeling of protein sequence and biophysical properties (such as structural, functional, and spatial information, amino acid conservation, physicochemical variation, residue mobility, and thermodynamic stability) performed at Invitae indicates that this missense variant is expected to disrupt ACVRL1 protein function. This variant disrupts the p.Ser333 amino acid residue in ACVRL1. Other variant(s) that disrupt this residue have been determined to be pathogenic (PMID: 9245985, 15880681). This suggests that this residue is clinically significant, and that variants that disrupt this residue are likely to be disease-causing. In summary, the currently available evidence indicates that the variant is pathogenic, but additional data are needed to prove that conclusively. Therefore, this variant has been classified as Likely Pathogenic.

Literature cited by the submitters: PubMed 9245985; PubMed 15880681.